The following is an entry in ClinVar:

ClinVar aggregate classification (germline): Uncertain significance. Review status: criteria provided, multiple submitters, no conflicts (2 of 4 stars). 5 submissions from 5 submitters: Uncertain significance (4). 1 of the submissions does not count toward it. Last evaluated 2025-06-09.

Conditions:
Ovarian neoplasm. Also called: Ovarian tumor; Ovarian Neoplasms; Neoplasm of ovary. Identifiers: MedGen C0919267, MeSH D010051, MONDO:0021068, HP:0100615.
Familial cancer of breast. Also called: BREAST CANCER, FAMILIAL; Hereditary breast cancer; hereditary breast carcinoma. Identifiers: Orphanet 227535, MedGen C0346153, MONDO:0016419, OMIM 114480. Disease mechanism: loss of function.
Hereditary cancer-predisposing syndrome. Also called: Neoplastic Syndromes, Hereditary; Hereditary Cancer Syndrome; Tumor predisposition; Hereditary neoplastic syndrome. Identifiers: Orphanet 140162, MedGen C0027672, MeSH D009386, MONDO:0015356.

Submissions (5):

Labcorp Genetics (formerly Invitae), Labcorp
Classification: Uncertain significance for Familial cancer of breast. Last evaluated: 2025-06-09. Review status: criteria provided, single submitter. Criteria: Invitae Variant Classification Sherloc (09022015). Collection method: clinical testing. Allele origin: germline.
Comment: This variant, c.1757_1759dup, results in the insertion of 1 amino acid(s) of the PALB2 protein (p.Asp586dup), but otherwise preserves the integrity of the reading frame. This variant is not present in population databases (gnomAD no frequency). This variant has not been reported in the literature in individuals affected with PALB2-related conditions. ClinVar contains an entry for this variant (Variation ID: 403713). Experimental studies and prediction algorithms are not available or were not evaluated, and the functional significance of this variant is currently unknown. In summary, the available evidence is currently insufficient to determine the role of this variant in disease. Therefore, it has been classified as a Variant of Uncertain Significance.

Ambry Genetics
Classification: Uncertain significance for Hereditary cancer-predisposing syndrome. Last evaluated: 2024-08-05. Review status: criteria provided, single submitter. Criteria: Ambry Variant Classification Scheme 2023. Collection method: clinical testing. Allele origin: germline.
Comment: The c.1757_1759dupATG variant (also known as p.D586dup), located in coding exon 5 of the PALB2 gene, results from an in-frame duplication of ATG at nucleotide positions 1757 to 1759. This results in the duplication of an extra residue between codons 586 and 587. This amino acid position is not well conserved in available vertebrate species. In addition, this alteration is predicted to be inconclusive by in silico analysis (Choi Y et al. PLoS ONE. 2012; 7(10):e46688). Since supporting evidence is limited at this time, the clinical significance of this alteration remains unclear.

Color Diagnostics, LLC DBA Color Health
Classification: Uncertain significance for Hereditary cancer-predisposing syndrome. Last evaluated: 2022-05-31. Review status: criteria provided, single submitter. Criteria: ACMG Guidelines, 2015. Collection method: clinical testing. Allele origin: germline.
Comment: This variant causes the duplication of 3 basepairs resulting in the in-frame duplication of Aspartic acid 586 in the PALB2 protein. To our knowledge, functional studies have not been reported for this variant. This variant has been reported in an individual affected with ovarian cancer (ClinVar variation ID: 403713). This variant has not been identified in the general population by the Genome Aggregation Database (gnomAD). The available evidence is insufficient to determine the role of this variant in disease conclusively. Therefore, this variant is classified as a Variant of Uncertain Significance.

GeneDx
Classification: Uncertain significance. Last evaluated: 2016-08-22. Review status: criteria provided, single submitter. Criteria: GeneDx Variant Classification (06012015). Collection method: clinical testing. Allele origin: germline. Affected: yes.
Comment: This in-frame duplication of 3 nucleotides in PALB2 is denoted c.1757_1759dupATG at the cDNA level and p.Asp586dup (D586dup) at the protein level. The normal sequence, with the bases that are duplicated in braces, is GATG[ATG]CTTT. This duplication of a single Aspartic Acid residue occurs at a position that is not conserved and is not located in a known functional domain (UniProt). This variant has not, to our knowledge, been published in the literature as pathogenic or benign. Since in-frame duplications may or may not inhibit proper protein functioning, the clinical significance of this finding remains unclear at this time and we consider PALB2 Asp586dup to be a variant of uncertain significance.

MVZ Praenatalmedizin und Genetik Nuernberg
Classification: Uncertain significance for Ovarian cancer. Last evaluated: 2017-02-28. Review status: no assertion criteria provided. Collection method: clinical testing. Allele origin: germline. Inheritance: Autosomal dominant inheritance. Affected: yes. Observed: 1 variant allele, 1 heterozygote. Not counted in ClinVar's aggregate classification.
Comment: This rare variant (no ExAC-entry) of uncertain significance leads to an elongation of a short repeat of aspartic acids which show no significant conservation. In silico analyses show contradictory results.

NM_024675.4(PALB2):c.1751ATG[4] (p.Asp586dup)

Gene: PALB2 (partner and localizer of BRCA2; minus strand). Cytogenetic location: 16p12.2.
Variant type: Microsatellite.
Coding change: c.1751ATG[4] on transcript NM_024675.4 (MANE Select); four copies in a row of the 3-base unit ATG starting at c.1751; the reference has three copies in a row; one copy, 3 bases duplicated; also written c.1757_1759dup.
Protein change: p.Asp586dup; duplicates aspartic acid 586.
Molecular consequence: inframe insertion.
Genome position (GRCh38, 1-based): chr16:23,630,395-23,630,397, CAT duplicated on the plus strand (ATG on the coding strand, the reverse complement: PALB2 is on the minus strand); duplicating any 3 consecutive bases within chr16:23,630,395-23,630,404 gives the same sequence; the position shown is the placement nearest the transcript's 3' end. VCF-style (leftmost placement, unchanged base first): chr16-23630394-G-GCAT. GRCh37 (hg19) VCF-style: chr16-23641715-G-GCAT.
Other names: c.1757_1759dupATG (NM_024675.3); c.1757_1759dup (NM_024675.4).
Identifiers: ClinVar variation 403713 (VCV000403713.19), dbSNP rs1555460665, ClinGen allele CA16609835.
Genomic context (GRCh38, chr16:23,630,394, plus strand): 5'-AGAAAAGACAGTAGTTGCTTTAAACTCAGCATTCCATCCCTATGAAATGGAGCCGTGAAA[G>GCAT]CATCATCATCCAAGGATAAATAAGCACTATTACTCCAAGAAAGGGAATCCTCTTTTTGAT-3'